The following is an entry in ClinVar:

NM_145046.5(CALR3):c.226G>A (p.Ala76Thr)

Gene: CALR3 (calreticulin 3; minus strand). Cytogenetic location: 19p13.11.
Variant type: single nucleotide variant.
Coding change: c.226G>A on transcript NM_145046.5 (MANE Select); coding-DNA position 226, G replaced by A.
Protein change: p.Ala76Thr; replaces alanine 76 with threonine.
Molecular consequence: missense variant.
Genome position (GRCh38, 1-based): chr19:16,490,538, C>T on the plus strand (G>A on the coding strand, the complement: CALR3 is on the minus strand). VCF-style: chr19-16490538-C-T. GRCh37 (hg19) VCF-style: chr19-16601349-C-T.
Other names: short protein forms A76T.
Identifiers: ClinVar variation 1440459 (VCV001440459.6), dbSNP rs2122142920, ClinGen allele CA404614109.
Genomic context (GRCh38, chr19:16,490,538, plus strand): 5'-TGTACTGAATAACCAGAGTTTTCCCTTTATTGCTGAACGGTTTGAAGCGTGCAGAGATGG[C>T]ATAGAATCGGCCATTCTGAGTGGTTTGCAGACCTTTGAACAAAATATACTCATGAAGGAT-3'
Protein context (NP_659483.2, residues 66-86): LQTTQNGRFY[Ala76Thr]ISARFKPFSN

ClinVar aggregate classification (germline): Uncertain significance (1 of 4 stars; one submission).

Conditions:
Hypertrophic cardiomyopathy 19. Also called: Familial hypertrophic cardiomyopathy 19. Identifiers: MedGen CN077603, MONDO:0013476.

Submission:

Labcorp Genetics (formerly Invitae), Labcorp
Classification: Uncertain significance for Hypertrophic cardiomyopathy 19. Last evaluated: 2021-07-27. Review status: criteria provided, single submitter. Criteria: Invitae Variant Classification Sherloc (09022015). Collection method: clinical testing. Allele origin: germline.
Comment: This variant has not been reported in the literature in individuals affected with CALR3-related conditions. This variant is not present in population databases (ExAC no frequency). This sequence change replaces alanine with threonine at codon 76 of the CALR3 protein (p.Ala76Thr). The alanine residue is moderately conserved and there is a small physicochemical difference between alanine and threonine. Algorithms developed to predict the effect of missense changes on protein structure and function are either unavailable or do not agree on the potential impact of this missense change (SIFT: "Tolerated"; PolyPhen-2: "Probably Damaging"; Align-GVGD: "Class C0"). In summary, the available evidence is currently insufficient to determine the role of this variant in disease. Therefore, it has been classified as a Variant of Uncertain Significance.